The following is an entry in ClinVar:

NM_000642.3(AGL):c.3362+30G>A

Gene: AGL (amylo-alpha-1,6-glucosidase and 4-alpha-glucanotransferase; plus strand). Cytogenetic location: 1p21.2.
Variant type: single nucleotide variant.
Coding change: c.3362+30G>A on transcript NM_000642.3 (MANE Select); 30 bases into the intron after coding-DNA position 3362, G replaced by A.
Molecular consequence: intron variant.
Genome position (GRCh38, 1-based): chr1:99,896,418, G>A. VCF-style: chr1-99896418-G-A. GRCh37 (hg19) VCF-style: chr1-100361974-G-A.
Other names: p.?; c.3362+30G>A (NM_000643.3, NM_000644.3, NM_001425325.1 and 1 more transcripts); c.3314+30G>A (NM_000646.3); c.3341+30G>A (NM_001425326.1); c.3161+30G>A (NM_001425327.1); c.3158+30G>A (NM_001425328.1); c.3023+30G>A (NM_001425329.1); c.2984+30G>A (NM_001425332.1).
Identifiers: ClinVar variation 4683322 (VCV004683322.1).

ClinVar aggregate classification (germline): Likely benign (1 of 4 stars; one submission).

gnomAD v4.1: 284 of 1,498,666 alleles (0.019%); highest among the groups gnomAD compares: Middle Eastern, 0.21%; no homozygotes.

Submission:

Mayo Clinic Laboratories, Mayo Clinic
Classification: Likely benign. Last evaluated: 2024-10-29. Review status: criteria provided, single submitter. Criteria: ACMG Guidelines, 2015. Collection method: clinical testing. Allele origin: germline. Observed: 1 variant allele.
Comment: BP4, BP7